The following is an entry in ClinVar:

ClinVar aggregate classification (germline): Uncertain significance (1 of 4 stars; one submission).

Allele frequency attached by ClinVar (database versions not stated): gnomAD 0.00001.
gnomAD v4.1: 2 of 1,613,756 alleles (0.00012%); highest among the groups gnomAD compares: African/African-American, 0.0027%; no homozygotes.

Submission:

Labcorp Genetics (formerly Invitae), Labcorp
Classification: Uncertain significance. Last evaluated: 2021-05-29. Review status: criteria provided, single submitter. Criteria: Invitae Variant Classification Sherloc (09022015). Collection method: clinical testing. Allele origin: germline.
Comment: This variant is not present in population databases (ExAC no frequency). This sequence change replaces alanine with serine at codon 424 of the TFRC protein (p.Ala424Ser). The alanine residue is weakly conserved and there is a moderate physicochemical difference between alanine and serine. This variant has not been reported in the literature in individuals with TFRC-related conditions. In summary, the available evidence is currently insufficient to determine the role of this variant in disease. Therefore, it has been classified as a Variant of Uncertain Significance. Algorithms developed to predict the effect of missense changes on protein structure and function output the following: SIFT: "Tolerated"; PolyPhen-2: "Benign"; Align-GVGD: "Class C0". The serine amino acid residue is found in multiple mammalian species, suggesting that this missense change does not adversely affect protein function. These predictions have not been confirmed by published functional studies and their clinical significance is uncertain.

NM_001128148.3(TFRC):c.1270G>T (p.Ala424Ser)

Gene: TFRC (transferrin receptor; minus strand). Cytogenetic location: 3q29.
Variant type: single nucleotide variant.
Coding change: c.1270G>T on transcript NM_001128148.3 (MANE Select); coding-DNA position 1270, G replaced by T.
Protein change: p.Ala424Ser; replaces alanine 424 with serine.
Molecular consequence: missense variant.
Genome position (GRCh38, 1-based): chr3:196,064,357, C>A on the plus strand (G>T on the coding strand, the complement: TFRC is on the minus strand). VCF-style: chr3-196064357-C-A. GRCh37 (hg19) VCF-style: chr3-195791228-C-A.
Other names: c.1027G>T, p.Ala343Ser (NM_001313965.2); c.424G>T, p.Ala142Ser (NM_001313966.2); c.1270G>T, p.Ala424Ser (NM_003234.4); short protein forms A424S, A142S, A343S.
Identifiers: ClinVar variation 1357284 (VCV001357284.8), dbSNP rs762469725, ClinGen allele CA355571430.